The following is an entry in ClinVar:

ClinVar aggregate classification (germline): Uncertain significance (1 of 4 stars; one submission).

Allele frequency attached by ClinVar (database versions not stated): gnomAD exomes below 0.00001 and 0.00001; ExAC 0.00001; gnomAD 0.00001; TOPMed 0.00002.
gnomAD v4.1: 10 of 1,613,004 alleles (0.00062%); highest among the groups gnomAD compares: Non-Finnish European, 0.00076%; no homozygotes.

Submission:

Labcorp Genetics (formerly Invitae), Labcorp
Classification: Uncertain significance. Last evaluated: 2025-02-27. Review status: criteria provided, single submitter. Criteria: Invitae Variant Classification Sherloc (09022015). Collection method: clinical testing. Allele origin: germline.
Comment: This sequence change replaces tryptophan, which is neutral and slightly polar, with arginine, which is basic and polar, at codon 1055 of the ITGAM protein (p.Trp1055Arg). This variant is present in population databases (rs771789895, gnomAD 0.0009%). This variant has not been reported in the literature in individuals affected with ITGAM-related conditions. ClinVar contains an entry for this variant (Variation ID: 1516790). An algorithm developed to predict the effect of missense changes on protein structure and function (PolyPhen-2) suggests that this variant is likely to be disruptive. In summary, the available evidence is currently insufficient to determine the role of this variant in disease. Therefore, it has been classified as a Variant of Uncertain Significance.

NM_000632.4(ITGAM):c.3163T>C (p.Trp1055Arg)

Gene: ITGAM (integrin subunit alpha M; plus strand). Cytogenetic location: 16p11.2.
Variant type: single nucleotide variant.
Coding change: c.3163T>C on transcript NM_000632.4 (MANE Select); coding-DNA position 3163, T replaced by C.
Protein change: p.Trp1055Arg; replaces tryptophan 1055 with arginine.
Molecular consequence: missense variant.
Genome position (GRCh38, 1-based): chr16:31,330,410, T>C. VCF-style: chr16-31330410-T-C. GRCh37 (hg19) VCF-style: chr16-31341731-T-C.
Other names: c.3166T>C, p.Trp1056Arg (NM_001145808.2); short protein forms W1056R, W1055R.
Identifiers: ClinVar variation 1516790 (VCV001516790.8), dbSNP rs771789895, ClinGen allele CA8026093.